The following is an entry in ClinVar:

NM_004444.5(EPHB4):c.670G>T (p.Val224Leu)

Gene: EPHB4 (EPH receptor B4; minus strand). Cytogenetic location: 7q22.1.
Variant type: single nucleotide variant.
Coding change: c.670G>T on transcript NM_004444.5 (MANE Select); coding-DNA position 670, G replaced by T.
Protein change: p.Val224Leu; replaces valine 224 with leucine.
Molecular consequence: missense variant.
Genome position (GRCh38, 1-based): chr7:100,822,409, C>A on the plus strand (G>T on the coding strand, the complement: EPHB4 is on the minus strand). VCF-style: chr7-100822409-C-A. GRCh37 (hg19) VCF-style: chr7-100420031-C-A.
Other names: short protein forms V224L.
Identifiers: ClinVar variation 1755043 (VCV001755043.3), dbSNP rs542686005, ClinGen allele CA4393236.
Genomic context (GRCh38, chr7:100,822,409, plus strand): 5'-GGCCATCCTCACGGCAGTAGAGGCTGGGGCTGGGGCCAGGGGCGGGGACGGCATCCACCA[C>A]GCAGCTACCGGCCACGGGCACAACCAGCTCCCGAGGCACAGTCTCCGGGAATCGAGTCAG-3'
Protein context (NP_004435.3, residues 214-234): ELVVPVAGSC[Val224Leu]VDAVPAPGPS

ClinVar aggregate classification (germline): Uncertain significance (1 of 4 stars; one submission).

Conditions:
Cardiovascular phenotype. Identifiers: MedGen CN230736.

gnomAD v4.1: 8 of 1,585,886 alleles (0.0005%); highest among the groups gnomAD compares: African/African-American, 0.0013%; no homozygotes.

Submission:

Ambry Genetics
Classification: Uncertain significance for Cardiovascular phenotype. Last evaluated: 2024-11-01. Review status: criteria provided, single submitter. Criteria: Ambry Variant Classification Scheme 2023. Collection method: clinical testing. Allele origin: germline.
Comment: The p.V224L variant (also known as c.670G>T), located in coding exon 4 of the EPHB4 gene, results from a G to T substitution at nucleotide position 670. The valine at codon 224 is replaced by leucine, an amino acid with highly similar properties. This amino acid position is well conserved in available vertebrate species. In addition, the in silico prediction for this alteration is inconclusive. Since supporting evidence is limited at this time, the clinical significance of this alteration remains unclear.